The following is an entry in ClinVar:

ClinVar aggregate classification (germline): Uncertain significance. Review status: criteria provided, multiple submitters, no conflicts (2 of 4 stars). 2 submissions from 2 submitters: Uncertain significance (2). Last evaluated 2025-06-06.

Conditions:
Granulomatous disease, chronic, autosomal recessive, cytochrome b-positive, type 3. Also called: GRANULOMATOUS DISEASE, CHRONIC, AUTOSOMAL RECESSIVE, 3; CGD, AUTOSOMAL RECESSIVE CYTOCHROME b-POSITIVE, TYPE III; GRANULOMATOUS DISEASE, CHRONIC, DUE TO NCF4 DEFICIENCY; Granulomatous disease, chronic, autosomal recessive, cytochrome b-positive, type III. Identifiers: Orphanet 379, MedGen C3151409, MONDO:0013507, OMIM 613960.

Allele frequency attached by ClinVar (database versions not stated): ExAC 0.00001; gnomAD exomes 0.00001.
gnomAD v4.1: 12 of 1,614,146 alleles (0.00074%); highest among the groups gnomAD compares: Admixed American, 0.0017%; no homozygotes.

Submissions (2):

Ambry Genetics
Classification: Uncertain significance. Last evaluated: 2025-06-06. Review status: criteria provided, single submitter. Criteria: Ambry Variant Classification Scheme 2023. Collection method: clinical testing. Allele origin: germline.

Labcorp Genetics (formerly Invitae), Labcorp
Classification: Uncertain significance for Granulomatous disease, chronic, autosomal recessive, cytochrome b-positive, type 3. Last evaluated: 2022-09-30. Review status: criteria provided, single submitter. Criteria: Invitae Variant Classification Sherloc (09022015). Collection method: clinical testing. Allele origin: germline.
Comment: This variant disrupts the p.Arg105 amino acid residue in NCF4. Other variant(s) that disrupt this residue have been determined to be pathogenic (PMID: 19692703, 29969437). This suggests that this residue is clinically significant, and that variants that disrupt this residue are likely to be disease-causing. In summary, the available evidence is currently insufficient to determine the role of this variant in disease. Therefore, it has been classified as a Variant of Uncertain Significance. Algorithms developed to predict the effect of missense changes on protein structure and function are either unavailable or do not agree on the potential impact of this missense change (SIFT: "Deleterious"; PolyPhen-2: "Probably Damaging"; Align-GVGD: "Class C0"). ClinVar contains an entry for this variant (Variation ID: 1410723). This variant has not been reported in the literature in individuals affected with NCF4-related conditions. This variant is present in population databases (rs756948322, gnomAD 0.003%). This sequence change replaces arginine, which is basic and polar, with tryptophan, which is neutral and slightly polar, at codon 105 of the NCF4 protein (p.Arg105Trp).

Literature cited by the submitters: PubMed 19692703 (cited by Labcorp Genetics (formerly Invitae), Labcorp); PubMed 29969437 (cited by Labcorp Genetics (formerly Invitae), Labcorp).

NM_000631.5(NCF4):c.313C>T (p.Arg105Trp)

Genes: NCF4 (neutrophil cytosolic factor 4; plus strand), NCF4-AS1 (NCF4 antisense RNA 1; minus strand). Cytogenetic location: 22q12.3.
Variant type: single nucleotide variant.
Coding change: c.313C>T on transcript NM_000631.5 (MANE Select); coding-DNA position 313, C replaced by T.
Protein change: p.Arg105Trp; replaces arginine 105 with tryptophan.
Molecular consequence: missense variant.
Genome position (GRCh38, 1-based): chr22:36,867,433, C>T. VCF-style: chr22-36867433-C-T. GRCh37 (hg19) VCF-style: chr22-37263475-C-T.
Other names: c.313C>T (NM_013416.3); c.313C>T, p.Arg105Trp (NM_013416.4); short protein forms R105W.
Identifiers: ClinVar variation 1410723 (VCV001410723.7), dbSNP rs756948322, ClinGen allele CA10212935.